The following is an entry in ClinVar:

ClinVar aggregate classification (germline): Benign/Likely benign. Review status: criteria provided, multiple submitters, no conflicts (2 of 4 stars). 5 submissions from 5 submitters: Benign (2); Likely benign (3). Last evaluated 2026-02-04.

Conditions:
Noonan syndrome 9 (NS9). Identifiers: Orphanet 648, MedGen C4225282, MONDO:0014691, OMIM 616559.

Allele frequency attached by ClinVar (database versions not stated): gnomAD exomes 0.00032 and 0.00086; 1000 Genomes Project 0.02256; gnomAD 0.00014 and 0.00015; ExAC 0.00021.
gnomAD v4.1: 1,038 of 1,345,902 alleles (0.077%); highest among the groups gnomAD compares: Non-Finnish European, 0.094%; 4 homozygotes.

Submissions (5):

Labcorp Genetics (formerly Invitae), Labcorp
Classification: Likely benign for Noonan syndrome 9. Last evaluated: 2026-02-04. Review status: criteria provided, single submitter. Criteria: Invitae Variant Classification Sherloc (09022015). Collection method: clinical testing. Allele origin: germline.

Blueprint Genetics
Classification: Likely benign. Last evaluated: 2024-06-11. Review status: criteria provided, single submitter. Criteria: ACMG Guidelines, 2015. Collection method: clinical testing. Allele origin: germline.

Women's Health and Genetics/Laboratory Corporation of America, LabCorp
Classification: Benign. Last evaluated: 2019-08-26. Review status: criteria provided, single submitter. Criteria: LabCorp Variant Classification Summary - May 2015. Collection method: clinical testing. Allele origin: germline.
Comment: Variant summary: SOS2 c.2057+19T>A alters a nucleotide located close to a canonical splice site and therefore could affect mRNA splicing, leading to a significantly altered protein sequence. 5/5 computational tools predict no significant impact on normal splicing. However, these predictions have yet to be confirmed by functional studies. The variant allele was found at a frequency of 0.00032 in 155274 control chromosomes (gnomAD). The observed variant frequency is approximately 128 fold of the estimated maximal expected allele frequency for a pathogenic variant in SOS2 causing Noonan Syndrome and Related Conditions phenotype (2.5e-06), strongly suggesting that the variant is benign. To our knowledge, no occurrence of c.2057+19T>A in individuals affected with Noonan Syndrome and Related Conditions and no experimental evidence demonstrating its impact on protein function have been reported. One clinical diagnostic laboratory has submitted clinical-significance assessments for this variant to ClinVar after 2014 without evidence for independent evaluation and classified the variant as likely benign. Based on the evidence outlined above, the variant was classified as benign.

GeneDx
Classification: Likely benign. Last evaluated: 2017-04-04. Review status: criteria provided, single submitter. Criteria: GeneDx Variant Classification (06012015). Collection method: clinical testing. Allele origin: germline. Affected: yes.
Comment: This variant is considered likely benign or benign based on one or more of the following criteria: it is a conservative change, it occurs at a poorly conserved position in the protein, it is predicted to be benign by multiple in silico algorithms, and/or has population frequency not consistent with disease.

Genome-Nilou Lab
Classification: Benign for Noonan syndrome 9. Review status: criteria provided, single submitter. Criteria: ACMG Guidelines, 2015. Collection method: clinical testing. Allele origin: germline.

NM_006939.4(SOS2):c.2057+19T>A

Gene: SOS2 (SOS Ras/Rho guanine nucleotide exchange factor 2; minus strand). Cytogenetic location: 14q21.3.
Variant type: single nucleotide variant.
Coding change: c.2057+19T>A on transcript NM_006939.4 (MANE Select); 19 bases into the intron after coding-DNA position 2057, T replaced by A.
Molecular consequence: intron variant.
Genome position (GRCh38, 1-based): chr14:50,156,980, A>T on the plus strand (T>A on the coding strand, the complement: SOS2 is on the minus strand). VCF-style: chr14-50156980-A-T. GRCh37 (hg19) VCF-style: chr14-50623698-A-T.
Identifiers: ClinVar variation 506385 (VCV000506385.13), dbSNP rs544924513, ClinGen allele CA7177175.